The following is an entry in ClinVar:

ClinVar aggregate classification (germline): Pathogenic (1 of 4 stars; one submission).

Conditions:
Developmental and epileptic encephalopathy, 14 (DEE14). Also called: Early infantile epileptic encephalopathy 14. Identifiers: Orphanet 293181, MedGen C3554195, MONDO:0013989, OMIM 614959.
Autosomal dominant nocturnal frontal lobe epilepsy 5. Also called: CILIARY DYSKINESIA, PRIMARY, 28, WITH SITUS INVERSUS; Epilepsy, nocturnal frontal lobe, 5; CILIARY DYSKINESIA, PRIMARY, 28, WITHOUT SITUS INVERSUS; KCNT1-Related Epilepsy. Identifiers: Orphanet 98784, MedGen C3554306, MONDO:0014002, OMIM 615005.

Submission:

Labcorp Genetics (formerly Invitae), Labcorp
Classification: Pathogenic for Autosomal dominant nocturnal frontal lobe epilepsy 5; Developmental and epileptic encephalopathy, 14. Last evaluated: 2017-04-05. Review status: criteria provided, single submitter. Criteria: Invitae Variant Classification Sherloc (09022015). Collection method: clinical testing. Allele origin: germline.
Comment: This sequence change replaces methionine with arginine at codon 896 of the KCNT1 protein (p.Met896Arg). The methionine residue is highly conserved and there is a moderate physicochemical difference between methionine and arginine. This variant is not present in population databases (ExAC no frequency) and has not been reported in the literature in individuals with a KCNT1-related disease. However, family studies have indicated that this variant was not present in the parents of an individual with KCNT1-related disease, which suggests that it was de novo in that affected individual (Invitae). This variant occurs Â¬â€ in the intracellular C-terminal region within a putative nicotinamide adeninedinucleotide (NAD+)-binding site (PMID: 19386908). A different missense substitution at this codon (p.Met896Ile) has been determined to be pathogenic (PMID: 23086396, 25482562, 24591078). In addition, a third variant (p.Met896Lys) has been reported de novo in an individual affected with early infantile epileptic encephalopathy (PMID:26993267). This suggests that the methionine residue is critical for KCNT1 protein function. For these reasons, this variant has been classified as Pathogenic.

NM_020822.3(KCNT1):c.2687T>G (p.Met896Arg)

Gene: KCNT1 (potassium sodium-activated channel subfamily T member 1; plus strand). Cytogenetic location: 9q34.3.
Variant type: single nucleotide variant.
Coding change: c.2687T>G on transcript NM_020822.3 (MANE Select); coding-DNA position 2687, T replaced by G.
Protein change: p.Met896Arg; replaces methionine 896 with arginine.
Molecular consequence: missense variant.
Genome position (GRCh38, 1-based): chr9:135,778,780, T>G. VCF-style: chr9-135778780-T-G. GRCh37 (hg19) VCF-style: chr9-138670626-T-G.
Other names: c.2552T>G, p.Met851Arg (NM_001272003.2); short protein forms M896R, M851R.
Identifiers: ClinVar variation 412308 (VCV000412308.1), dbSNP rs1060503696, ClinGen allele CA16612550.